The following is an entry in ClinVar:

NM_182543.5(NSUN6):c.185C>T (p.Ala62Val)

Gene: NSUN6 (NOP2/Sun RNA methyltransferase 6; minus strand). Cytogenetic location: 10p12.31.
Variant type: single nucleotide variant.
Coding change: c.185C>T on transcript NM_182543.5 (MANE Select); coding-DNA position 185, C replaced by T.
Protein change: p.Ala62Val; replaces alanine 62 with valine.
Molecular consequence: missense variant. On other transcripts: intron variant (2).
Genome position (GRCh38, 1-based): chr10:18,648,536, G>A on the plus strand (C>T on the coding strand, the complement: NSUN6 is on the minus strand). VCF-style: chr10-18648536-G-A. GRCh37 (hg19) VCF-style: chr10-18937465-G-A.
Other names: c.185C>T, p.Ala62Val (NM_001351115.2); c.149C>T, p.Ala50Val (NM_001351116.2); c.-113+2593C>T (NM_001351118.2); c.75+2593C>T (NM_001351117.2); short protein forms A50V, A62V.
Identifiers: ClinVar variation 4989169 (VCV004989169.1).

ClinVar aggregate classification (germline): Likely benign (1 of 4 stars; one submission).

Conditions:
NSUN6-related condition.

gnomAD v4.1: 1,043 of 1,608,880 alleles (0.065%); highest among the groups gnomAD compares: Admixed American, 0.58%; 3 homozygotes.

Submission:

PreventionGenetics, part of Exact Sciences
Classification: Likely benign for NSUN6-related condition. Last evaluated: 2026-07-16. Review status: criteria provided, single submitter. Criteria: ACMG Guidelines, 2015. Collection method: clinical testing. Allele origin: germline.
Comment: This variant is classified as likely benign based on ACMG/AMP sequence variant interpretation guidelines (Richards et al. 2015 PMID: 25741868, with internal and published modifications).